The following is an entry in ClinVar:

ClinVar aggregate classification (germline): Uncertain significance (1 of 4 stars; one submission).

Allele frequency attached by ClinVar (database versions not stated): gnomAD exomes below 0.00001; TOPMed below 0.00001; ExAC 0.00001.
gnomAD v4.1: 4 of 1,611,456 alleles (0.00025%); highest among the groups gnomAD compares: South Asian, 0.0033%; no homozygotes.

Submission:

Labcorp Genetics (formerly Invitae), Labcorp
Classification: Uncertain significance. Last evaluated: 2022-11-22. Review status: criteria provided, single submitter. Criteria: Invitae Variant Classification Sherloc (09022015). Collection method: clinical testing. Allele origin: germline.
Comment: This variant is present in population databases (rs748192891, gnomAD 0.003%). This sequence change replaces arginine, which is basic and polar, with cysteine, which is neutral and slightly polar, at codon 508 of the ATF6 protein (p.Arg508Cys). In summary, the available evidence is currently insufficient to determine the role of this variant in disease. Therefore, it has been classified as a Variant of Uncertain Significance. Advanced modeling of protein sequence and biophysical properties (such as structural, functional, and spatial information, amino acid conservation, physicochemical variation, residue mobility, and thermodynamic stability) performed at Invitae indicates that this missense variant is expected to disrupt ATF6 protein function. ClinVar contains an entry for this variant (Variation ID: 960159). This variant has not been reported in the literature in individuals affected with ATF6-related conditions.

NM_007348.4(ATF6):c.1522C>T (p.Arg508Cys)

Gene: ATF6 (activating transcription factor 6; plus strand). Cytogenetic location: 1q23.3.
Variant type: single nucleotide variant.
Coding change: c.1522C>T on transcript NM_007348.4 (MANE Select); coding-DNA position 1522, C replaced by T.
Protein change: p.Arg508Cys; replaces arginine 508 with cysteine.
Molecular consequence: missense variant.
Genome position (GRCh38, 1-based): chr1:161,853,312, C>T. VCF-style: chr1-161853312-C-T. GRCh37 (hg19) VCF-style: chr1-161823102-C-T.
Other names: short protein forms R508C.
Identifiers: ClinVar variation 960159 (VCV000960159.6), dbSNP rs748192891, ClinGen allele CA1214492.
Genomic context (GRCh38, chr1:161,853,312, plus strand): 5'-CATAGACATGAAGTAGAAAGGACCAAGTCAAGAAGAATGACAAATAATCAACAGAAAACC[C>T]GTATTCTTCAGGTATGTTTCTGTTTGTCTTTGAACAATAGTTGGCGTATTTGTTGGAAGG-3'
Protein context (NP_031374.2, residues 498-518): RRMTNNQQKT[Arg508Cys]ILQGALEQGS